The following is an entry in ClinVar:

ClinVar aggregate classification (germline): Uncertain significance (1 of 4 stars; one submission).

Allele frequency attached by ClinVar (database versions not stated): gnomAD 0.00004; gnomAD exomes 0.00006; ESP Exome Variant Server 0.00008; TOPMed 0.00008; ExAC 0.00016.
gnomAD v4.1: 93 of 1,607,414 alleles (0.0058%); highest among the groups gnomAD compares: Admixed American, 0.012%; no homozygotes.

Submission:

Labcorp Genetics (formerly Invitae), Labcorp
Classification: Uncertain significance. Last evaluated: 2023-10-29. Review status: criteria provided, single submitter. Criteria: Invitae Variant Classification Sherloc (09022015). Collection method: clinical testing. Allele origin: germline.
Comment: This sequence change creates a premature translational stop signal (p.Arg358*) in the GCKR gene. It is expected to result in an absent or disrupted protein product. However, the current clinical and genetic evidence is not sufficient to establish whether loss-of-function variants in GCKR cause disease. This variant is present in population databases (rs201754753, gnomAD 0.01%). This premature translational stop signal has been observed in individual(s) with clinical features of dyslipidemia (PMID: 32041611). ClinVar contains an entry for this variant (Variation ID: 2142930). Algorithms developed to predict the effect of sequence changes on RNA splicing suggest that this variant may disrupt the consensus splice site. In summary, the available evidence is currently insufficient to determine the role of this variant in disease. Therefore, it has been classified as a Variant of Uncertain Significance.

Literature cited by the submitters: PubMed 32041611.

NM_001486.4(GCKR):c.1072C>T (p.Arg358Ter)

Gene: GCKR (glucokinase regulator; plus strand). Cytogenetic location: 2p23.3.
Variant type: single nucleotide variant.
Coding change: c.1072C>T on transcript NM_001486.4 (MANE Select); coding-DNA position 1072, C replaced by T.
Protein change: p.Arg358Ter; replaces arginine 358 with a stop codon.
Molecular consequence: nonsense.
Genome position (GRCh38, 1-based): chr2:27,507,240, C>T. VCF-style: chr2-27507240-C-T. GRCh37 (hg19) VCF-style: chr2-27730107-C-T.
Other names: short protein forms R358*.
Identifiers: ClinVar variation 2142930 (VCV002142930.4), dbSNP rs201754753, ClinGen allele CA1581853.